The following is an entry in ClinVar:

NM_001372.4(DNAH9):c.11815G>T (p.Glu3939Ter)

Gene: DNAH9 (dynein axonemal heavy chain 9; plus strand). Cytogenetic location: 17p12.
Variant type: single nucleotide variant.
Coding change: c.11815G>T on transcript NM_001372.4 (MANE Select); coding-DNA position 11815, G replaced by T.
Protein change: p.Glu3939Ter; replaces glutamic acid 3939 with a stop codon.
Molecular consequence: nonsense.
Genome position (GRCh38, 1-based): chr17:11,923,879, G>T. VCF-style: chr17-11923879-G-T. GRCh37 (hg19) VCF-style: chr17-11827196-G-T.
Other names: c.751G>T, p.Glu251Ter (NM_004662.2); short protein forms E251*, E3939*.
Identifiers: ClinVar variation 3032317 (VCV003032317.2), dbSNP rs2544882794, ClinGen allele CA398209259.
Genomic context (GRCh38, chr17:11,923,879, plus strand): 5'-AAACTTGGATACACCTTCAACAATCAGAACTTTCACAACGTGTCTTTGGGGCAAGGACAG[G>T]AAGTGGTGGCTGAGGCTGCGCTGGACCTCGCTGCCAAGAAAGGTCACTGGGTTATTTTGC-3'

ClinVar aggregate classification (germline): Likely pathogenic (0 of 4 stars; one submission).

Conditions:
DNAH9-related disorder. Also called: DNAH9-related condition.

Submission:

PreventionGenetics, part of Exact Sciences
Classification: Likely pathogenic for DNAH9-related condition. Last evaluated: 2024-01-15. Review status: no assertion criteria provided. Collection method: clinical testing. Allele origin: germline.
Comment: The DNAH9 c.11815G>T variant is predicted to result in premature protein termination (p.Glu3939*). To our knowledge, this variant has not been reported in the literature or in a large population database, indicating this variant is rare. Nonsense variants in DNAH9 are expected to be pathogenic. This variant is interpreted as likely pathogenic.